The following is an entry in ClinVar:

ClinVar aggregate classification (germline): Uncertain significance. Review status: criteria provided, multiple submitters, no conflicts (2 of 4 stars). 3 submissions from 3 submitters: Uncertain significance (3). Last evaluated 2025-08-10.

Conditions:
Inborn genetic diseases. Identifiers: MedGen C0950123, MeSH D030342.

Allele frequency attached by ClinVar (database versions not stated): ExAC 0.00001; gnomAD 0.00001 and 0.00002; gnomAD exomes 0.00001 and 0.00002; TOPMed 0.00002.
gnomAD v4.1: 16 of 1,614,152 alleles (0.00099%); highest among the groups gnomAD compares: Admixed American, 0.01%; no homozygotes.

Submissions (3):

Ambry Genetics
Classification: Uncertain significance for Inborn genetic diseases. Last evaluated: 2025-08-10. Review status: criteria provided, single submitter. Criteria: Ambry Variant Classification Scheme 2023. Collection method: clinical testing. Allele origin: germline.

GeneDx
Classification: Uncertain significance. Last evaluated: 2023-11-18. Review status: criteria provided, single submitter. Criteria: GeneDx Variant Classification Process June 2021. Collection method: clinical testing. Allele origin: germline. Affected: yes.
Comment: In silico analysis supports that this missense variant does not alter protein structure/function; Has not been previously published as pathogenic or benign to our knowledge

Labcorp Genetics (formerly Invitae), Labcorp
Classification: Uncertain significance. Last evaluated: 2022-08-06. Review status: criteria provided, single submitter. Criteria: Invitae Variant Classification Sherloc (09022015). Collection method: clinical testing. Allele origin: germline.
Comment: This sequence change replaces asparagine, which is neutral and polar, with serine, which is neutral and polar, at codon 69 of the EXOSC9 protein (p.Asn69Ser). This variant is present in population databases (rs761774440, gnomAD 0.01%). This variant has not been reported in the literature in individuals affected with EXOSC9-related conditions. ClinVar contains an entry for this variant (Variation ID: 1438147). Algorithms developed to predict the effect of missense changes on protein structure and function (SIFT, PolyPhen-2, Align-GVGD) all suggest that this variant is likely to be tolerated. Algorithms developed to predict the effect of sequence changes on RNA splicing suggest that this variant may create or strengthen a splice site. In summary, the available evidence is currently insufficient to determine the role of this variant in disease. Therefore, it has been classified as a Variant of Uncertain Significance.

NM_005033.3(EXOSC9):c.206A>G (p.Asn69Ser)

Gene: EXOSC9 (exosome component 9; plus strand). Cytogenetic location: 4q27.
Variant type: single nucleotide variant.
Coding change: c.206A>G on transcript NM_005033.3 (MANE Select); coding-DNA position 206, A replaced by G.
Protein change: p.Asn69Ser; replaces asparagine 69 with serine.
Molecular consequence: missense variant.
Genome position (GRCh38, 1-based): chr4:121,802,718, A>G. VCF-style: chr4-121802718-A-G. GRCh37 (hg19) VCF-style: chr4-122723873-A-G.
Other names: c.206A>G (NM_001034194.1); c.206A>G, p.Asn69Ser (NM_001034194.2); short protein forms N69S.
Identifiers: ClinVar variation 1438147 (VCV001438147.6), dbSNP rs761774440, ClinGen allele CA3063324.